The following is an entry in ClinVar:

ClinVar aggregate classification (germline): Benign. Review status: criteria provided, multiple submitters, no conflicts (2 of 4 stars). 3 submissions from 3 submitters: Benign (2). 1 of the submissions does not count toward it. Last evaluated 2019-12-31.

Conditions:
GABRA3-related disorder. Also called: GABRA3-related condition.

Allele frequency attached by ClinVar (database versions not stated): gnomAD 0.00088 and 0.00092; 1000 Genomes Project 0.00106; gnomAD exomes 0.00106; ESP Exome Variant Server 0.00076; 1000 Genomes Project 30x 0.00083; ExAC 0.00100; TOPMed 0.00150.
gnomAD v4.1: 1,187 of 1,210,176 alleles (0.098%); highest among the groups gnomAD compares: Middle Eastern, 2.2%; 4 homozygotes.

Submissions (3):

Labcorp Genetics (formerly Invitae), Labcorp
Classification: Benign. Last evaluated: 2019-12-31. Review status: criteria provided, single submitter. Criteria: Invitae Variant Classification Sherloc (09022015). Collection method: clinical testing. Allele origin: germline.

Breakthrough Genomics
Classification: Benign. Review status: criteria provided, single submitter. Criteria: ACMG Guidelines, 2015. Collection method: not provided. Allele origin: germline. Inheritance: X-linked inheritance. Affected: yes.

PreventionGenetics, part of Exact Sciences
Classification: Likely benign for GABRA3-related condition. Last evaluated: 2019-09-30. Review status: no assertion criteria provided. Collection method: clinical testing. Allele origin: germline. Not counted in ClinVar's aggregate classification.
Comment: This variant is classified as likely benign based on ACMG/AMP sequence variant interpretation guidelines (Richards et al. 2015 PMID: 25741868, with internal and published modifications).

NM_000808.4(GABRA3):c.1338C>G (p.Thr446=)

Gene: GABRA3 (gamma-aminobutyric acid type A receptor subunit alpha3; minus strand). Cytogenetic location: Xq28.
Variant type: single nucleotide variant.
Coding change: c.1338C>G on transcript NM_000808.4 (MANE Select); coding-DNA position 1338, C replaced by G.
Protein change: p.Thr446=; no amino-acid change (threonine 446 retained).
Molecular consequence: synonymous variant.
Genome position (GRCh38, 1-based): chrX:152,168,369, G>C on the plus strand (C>G on the coding strand, the complement: GABRA3 is on the minus strand). VCF-style: chrX-152168369-G-C. GRCh37 (hg19) VCF-style: chrX-151336841-G-C.
Identifiers: ClinVar variation 782828 (VCV000782828.7), dbSNP rs76096542, ClinGen allele CA10543035.